The following is an entry in ClinVar:

ClinVar aggregate classification (germline): Likely pathogenic. Review status: criteria provided, multiple submitters, no conflicts (2 of 4 stars). 2 submissions from 2 submitters: Likely pathogenic (2). Last evaluated 2025-10-24.

Conditions:
Ehlers-Danlos syndrome, type 4 (EDSVASC). Also called: Ehlers-Danlos Syndrome Type IV; Ehlers-Danlos syndrome vascular type; Ehlers Danlos syndrome, ecchymotic type; Ehlers Danlos syndrome, arterial type; Ehlers Danlos syndrome, Sack-Barabas type. Identifiers: Orphanet 286, MedGen C0268338, MONDO:0017314, OMIM 130050.

Submissions (2):

Variantyx, Inc.
Classification: Likely pathogenic for Ehlers-Danlos syndrome, type 4. Last evaluated: 2025-10-24. Review status: criteria provided, single submitter. Criteria: Variantyx Assertion Criteria 2022. Collection method: clinical testing. Allele origin: germline. Inheritance: Autosomal dominant inheritance. Affected: yes.
Comment: This is a nonsynonymous variant in the COL3A1 gene (OMIM: 120180). Pathogenic variants in this gene have been associated with autosomal dominant vascular-type Ehlers-Danlos syndrome. This variant lies within a known hotspot for pathogenic variants or a well-established critical functional domain of the COL3A1 protein (PMID: 25776230, 25758994, 30474650, 24922459) (PM1_Strong), and multiple computational algorithms predict a deleterious effect for this variant (REVEL score: 0.994) (PP3). This variant is absent from control populations (PM2). Based on the current evidence, this variant is classified as likely pathogenic for autosomal dominant vascular-type Ehlers-Danlos syndrome.

Labcorp Genetics (formerly Invitae), Labcorp
Classification: Likely pathogenic for Ehlers-Danlos syndrome, type 4. Last evaluated: 2025-06-11. Review status: criteria provided, single submitter. Criteria: Invitae Variant Classification Sherloc (09022015). Collection method: clinical testing. Allele origin: germline.
Comment: This sequence change replaces glycine, which is neutral and non-polar, with aspartic acid, which is acidic and polar, at codon 795 of the COL3A1 protein (p.Gly795Asp). This variant is not present in population databases (gnomAD no frequency). This variant has not been reported in the literature in individuals affected with COL3A1-related conditions. ClinVar contains an entry for this variant (Variation ID: 2805195). Invitae Evidence Modeling of protein sequence and biophysical properties (such as structural, functional, and spatial information, amino acid conservation, physicochemical variation, residue mobility, and thermodynamic stability) indicates that this missense variant is expected to disrupt COL3A1 protein function with a positive predictive value of 95%. This variant disrupts the triple helix domain of COL3A1. Glycine residues within the Gly-Xaa-Yaa repeats of the triple helix domain are required for the structure and stability of fibrillar collagens (PMID: 7695699, 8218237, 19344236). In COL3A1, variants that affect these glycine residues are significantly enriched in individuals with disease (PMID: 24922459, 25758994) compared to the general population (ExAC). In summary, the currently available evidence indicates that the variant is pathogenic, but additional data are needed to prove that conclusively. Therefore, this variant has been classified as Likely Pathogenic.

Literature cited by the submitters: PubMed 25776230 (cited by Variantyx, Inc.); PubMed 25758994 (cited by Variantyx, Inc. and Labcorp Genetics (formerly Invitae), Labcorp); PubMed 30474650 (cited by Variantyx, Inc.); PubMed 24922459 (cited by Variantyx, Inc. and Labcorp Genetics (formerly Invitae), Labcorp); PubMed 7695699 (cited by Labcorp Genetics (formerly Invitae), Labcorp); PubMed 8218237 (cited by Labcorp Genetics (formerly Invitae), Labcorp); PubMed 19344236 (cited by Labcorp Genetics (formerly Invitae), Labcorp).

NM_000090.4(COL3A1):c.2384G>A (p.Gly795Asp)

Genes: COL3A1 (collagen type III alpha 1 chain; plus strand), LOC126806446 (P300/CBP strongly-dependent group 1 enhancer GRCh37_chr2:189866210-189867409; plus strand). Cytogenetic location: 2q32.2.
Variant type: single nucleotide variant.
Coding change: c.2384G>A on transcript NM_000090.4 (MANE Select); coding-DNA position 2384, G replaced by A.
Protein change: p.Gly795Asp; replaces glycine 795 with aspartic acid.
Molecular consequence: missense variant.
Genome position (GRCh38, 1-based): chr2:189,001,582, G>A. VCF-style: chr2-189001582-G-A. GRCh37 (hg19) VCF-style: chr2-189866308-G-A.
Other names: short protein forms G795D.
Identifiers: ClinVar variation 2805195 (VCV002805195.4), dbSNP rs2469148128, ClinGen allele CA349842546.
Genomic context (GRCh38, chr2:189,001,582, plus strand): 5'-TTCTCTTTTTCCAGGGTGAAGGTGGTGCCCCCGGACTTCCAGGTATAGCTGGACCTCGTG[G>A]TAGCCCTGTAAGTGTTAAAGACATTCTCAACATACTTTTTAACCCCATACAGACAGTAGC-3'
Protein context (NP_000081.2, residues 785-805): PGLPGIAGPR[Gly795Asp]SPGERGETGP